The following is an entry in ClinVar:

NM_001277115.2(DNAH11):c.3648+2T>C

Gene: DNAH11 (dynein axonemal heavy chain 11; plus strand). Cytogenetic location: 7p15.3.
Variant type: single nucleotide variant.
Coding change: c.3648+2T>C on transcript NM_001277115.2 (MANE Select); the canonical splice donor site of the intron after coding-DNA position 3648, T replaced by C.
Molecular consequence: splice donor variant.
Genome position (GRCh38, 1-based): chr7:21,601,620, T>C. VCF-style: chr7-21601620-T-C. GRCh37 (hg19) VCF-style: chr7-21641238-T-C.
Identifiers: ClinVar variation 2982271 (VCV002982271.3), dbSNP rs1785094598, ClinGen allele CA366947451.

ClinVar aggregate classification (germline): Likely pathogenic (1 of 4 stars; one submission).

Conditions:
Primary ciliary dyskinesia. Also called: Ciliary dyskinesia. Identifiers: Orphanet 244, MedGen C0008780, MONDO:0016575, HP:0012265.

Allele frequency attached by ClinVar (database versions not stated): gnomAD 0.00001.

Submission:

Labcorp Genetics (formerly Invitae), Labcorp
Classification: Likely pathogenic for Primary ciliary dyskinesia. Last evaluated: 2024-10-28. Review status: criteria provided, single submitter. Criteria: Invitae Variant Classification Sherloc (09022015). Collection method: clinical testing. Allele origin: germline.
Comment: This sequence change affects a donor splice site in intron 18 of the DNAH11 gene. It is expected to disrupt RNA splicing. Variants that disrupt the donor or acceptor splice site typically lead to a loss of protein function (PMID: 16199547), and loss-of-function variants in DNAH11 are known to be pathogenic (PMID: 18022865, 20513915, 22184204). This variant is not present in population databases (gnomAD no frequency). This variant has not been reported in the literature in individuals affected with DNAH11-related conditions. Algorithms developed to predict the effect of sequence changes on RNA splicing suggest that this variant may create or strengthen a splice site. In summary, the currently available evidence indicates that the variant is pathogenic, but additional data are needed to prove that conclusively. Therefore, this variant has been classified as Likely Pathogenic.

Literature cited by the submitters: PubMed 16199547; PubMed 18022865; PubMed 20513915; PubMed 22184204.